The following is an entry in ClinVar:

NM_014795.4(ZEB2):c.289T>C (p.Trp97Arg)

Gene: ZEB2 (zinc finger E-box binding homeobox 2; minus strand). Cytogenetic location: 2q22.3.
Variant type: single nucleotide variant.
Coding change: c.289T>C on transcript NM_014795.4 (MANE Select); coding-DNA position 289, T replaced by C.
Protein change: p.Trp97Arg; replaces tryptophan 97 with arginine.
Molecular consequence: missense variant.
Genome position (GRCh38, 1-based): chr2:144,429,811, A>G on the plus strand (T>C on the coding strand, the complement: ZEB2 is on the minus strand). VCF-style: chr2-144429811-A-G. GRCh37 (hg19) VCF-style: chr2-145187378-A-G.
Other names: c.289T>C, p.Trp97Arg (NM_001171653.2); short protein forms W97R.
Identifiers: ClinVar variation 4710943 (VCV004710943.1).

ClinVar aggregate classification (germline): Uncertain significance (1 of 4 stars; one submission).

Conditions:
Mowat-Wilson syndrome (MOWS). Also called: Classic Mowat-Wilson Syndrome. Identifiers: Orphanet 2152, MedGen C1856113, MONDO:0009341, OMIM 235730.

Submission:

Labcorp Genetics (formerly Invitae), Labcorp
Classification: Uncertain significance for Mowat-Wilson syndrome. Last evaluated: 2025-04-29. Review status: criteria provided, single submitter. Criteria: Invitae Variant Classification Sherloc (09022015). Collection method: clinical testing. Allele origin: germline.
Comment: This sequence change replaces tryptophan, which is neutral and slightly polar, with arginine, which is basic and polar, at codon 97 of the ZEB2 protein (p.Trp97Arg). This variant is not present in population databases (gnomAD no frequency). This variant has not been reported in the literature in individuals affected with ZEB2-related conditions. An algorithm developed to predict the effect of missense changes on protein structure and function (PolyPhen-2) suggests that this variant is likely to be disruptive. In summary, the available evidence is currently insufficient to determine the role of this variant in disease. Therefore, it has been classified as a Variant of Uncertain Significance.